The following is an entry in ClinVar:

ClinVar aggregate classification (germline): Uncertain significance. Review status: criteria provided, multiple submitters, no conflicts (2 of 4 stars). 3 submissions from 3 submitters: Uncertain significance (3). Last evaluated 2025-11-26.

Conditions:
Autosomal recessive limb-girdle muscular dystrophy type 2W (MDRCMTT). Also called: Muscular dystrophy, limb-girdle, type 2W; Muscular dystrophy, autosomal recessive, with cardiomyopathy and triangular tongue. Identifiers: MedGen C4225192, MONDO:0014788, OMIM 616827.

Allele frequency attached by ClinVar (database versions not stated): TOPMed 0.00001; gnomAD exomes 0.00003; gnomAD 0.00005; ESP Exome Variant Server 0.00008; ExAC 0.00009; 1000 Genomes Project 30x 0.00016; 1000 Genomes Project 0.00020.
gnomAD v4.1: 56 of 1,609,134 alleles (0.0035%); highest among the groups gnomAD compares: Middle Eastern, 0.017%; no homozygotes.

Submissions (3):

Ambry Genetics
Classification: Uncertain significance. Last evaluated: 2025-11-26. Review status: criteria provided, single submitter. Criteria: Ambry Variant Classification Scheme 2023. Collection method: clinical testing. Allele origin: germline.

Labcorp Genetics (formerly Invitae), Labcorp
Classification: Uncertain significance for Autosomal recessive limb-girdle muscular dystrophy type 2W. Last evaluated: 2024-10-12. Review status: criteria provided, single submitter. Criteria: Invitae Variant Classification Sherloc (09022015). Collection method: clinical testing. Allele origin: germline.
Comment: This sequence change replaces valine, which is neutral and non-polar, with methionine, which is neutral and non-polar, at codon 36 of the LIMS2 protein (p.Val36Met). This variant is present in population databases (rs200688714, gnomAD 0.02%). This variant has not been reported in the literature in individuals affected with LIMS2-related conditions. ClinVar contains an entry for this variant (Variation ID: 2433449). An algorithm developed to predict the effect of missense changes on protein structure and function outputs the following: PolyPhen-2: "Benign". The methionine amino acid residue is found in multiple mammalian species, which suggests that this missense change does not adversely affect protein function. In summary, the available evidence is currently insufficient to determine the role of this variant in disease. Therefore, it has been classified as a Variant of Uncertain Significance.

Revvity Omics, Revvity
Classification: Uncertain significance for Autosomal recessive limb-girdle muscular dystrophy type 2W. Last evaluated: 2021-07-21. Review status: criteria provided, single submitter. Criteria: ACMG Guidelines, 2015. Collection method: clinical testing. Allele origin: germline.

NM_001161403.3(LIMS2):c.40G>A (p.Val14Met)

Gene: LIMS2 (LIM zinc finger domain containing 2; minus strand). Cytogenetic location: 2q14.3.
Variant type: single nucleotide variant.
Coding change: c.40G>A on transcript NM_001161403.3 (MANE Select); coding-DNA position 40, G replaced by A.
Protein change: p.Val14Met; replaces valine 14 with methionine.
Molecular consequence: missense variant.
Genome position (GRCh38, 1-based): chr2:127,657,534, C>T on the plus strand (G>A on the coding strand, the complement: LIMS2 is on the minus strand). VCF-style: chr2-127657534-C-T. GRCh37 (hg19) VCF-style: chr2-128415108-C-T.
Other names: c.112G>A (NM_017980.4); c.106G>A, p.Val36Met (NM_001136037.4); c.25G>A, p.Val9Met (NM_001161404.2); c.112G>A, p.Val38Met (NM_017980.5); short protein forms V14M, V36M, V38M, V9M.
Identifiers: ClinVar variation 2433449 (VCV002433449.6), dbSNP rs200688714, ClinGen allele CA1863593.